The following is an entry in ClinVar:

ClinVar aggregate classification (germline): Benign/Likely benign. Review status: criteria provided, multiple submitters, no conflicts (2 of 4 stars). 9 submissions from 9 submitters: Benign (3); Likely benign (5). 1 of the submissions does not count toward it. Last evaluated 2026-06-24.

Conditions:
Hereditary sensory neuropathy-deafness-dementia syndrome. Also called: Hereditary Sensory and Autonomic Neuropathy Type 1E (HSAN1E); NEUROPATHY, HEREDITARY SENSORY, WITH HEARING LOSS AND DEMENTIA; Hereditary sensory neuropathy type IE; HSN IE. Identifiers: Orphanet 456318, MedGen C3279885, MONDO:0013584, OMIM 614116.
DNMT1-related disorder. Also called: DNMT1-related condition. Identifiers: MedGen CN381527.

Allele frequency attached by ClinVar (database versions not stated): TOPMed 0.00011; ExAC 0.00016; gnomAD 0.00017 and 0.00019; 1000 Genomes Project 30x 0.00031; 1000 Genomes Project 0.00040.
gnomAD v4.1: 201 of 1,611,534 alleles (0.012%); highest among the groups gnomAD compares: Non-Finnish European, 0.01%; 1 homozygote.

Submissions (9):

Women's Health and Genetics/Laboratory Corporation of America, LabCorp
Classification: Benign. Last evaluated: 2026-06-24. Review status: criteria provided, single submitter. Criteria: LabCorp Variant Classification Summary - May 2015. Collection method: clinical testing. Allele origin: germline.

Labcorp Genetics (formerly Invitae), Labcorp
Classification: Likely benign for Hereditary sensory neuropathy-deafness-dementia syndrome. Last evaluated: 2026-01-14. Review status: criteria provided, single submitter. Criteria: Invitae Variant Classification Sherloc (09022015). Collection method: clinical testing. Allele origin: germline.

Mayo Clinic Laboratories, Mayo Clinic
Classification: Benign. Last evaluated: 2024-12-05. Review status: criteria provided, single submitter. Criteria: ACMG Guidelines, 2015. Collection method: clinical testing. Allele origin: germline. Observed: 1 variant allele.
Comment: BS1, BS2, BP4, BP7

Blueprint Genetics
Classification: Likely benign. Last evaluated: 2024-09-13. Review status: criteria provided, single submitter. Criteria: ACMG Guidelines, 2015. Collection method: clinical testing. Allele origin: germline.

CeGaT Center for Human Genetics Tuebingen
Classification: Likely benign. Last evaluated: 2023-05-01. Review status: criteria provided, single submitter. Criteria: CeGaT Center For Human Genetics Tuebingen Variant Classification Criteria Version 2. Collection method: clinical testing. Allele origin: germline. Affected: yes. Observed: 2 variant alleles.
Comment: DNMT1: BP4, BP7

GeneDx
Classification: Likely benign. Last evaluated: 2019-06-24. Review status: criteria provided, single submitter. Criteria: GeneDx Variant Classification Process June 2021. Collection method: clinical testing. Allele origin: germline. Affected: yes.

Illumina Laboratory Services, Illumina
Classification: Benign for Hereditary sensory neuropathy-deafness-dementia syndrome. Last evaluated: 2018-01-13. Review status: criteria provided, single submitter. Criteria: ICSL Variant Classification Criteria 13 December 2019. Collection method: clinical testing. Allele origin: germline.
Comment: This variant was observed in the ICSL laboratory as part of a predisposition screen in an ostensibly healthy population. It had not been previously curated by ICSL or reported in the Human Gene Mutation Database (HGMD: prior to June 1st, 2018), and was therefore a candidate for classification through an automated scoring system. Utilizing variant allele frequency, disease prevalence and penetrance estimates, and inheritance mode, an automated score was calculated to assess if this variant is too frequent to cause the disease. Based on the score and internal cut-off values, a variant classified as benign is not then subjected to further curation. The score for this variant resulted in a classification of benign for this disease.

Breakthrough Genomics
Classification: Likely benign. Review status: criteria provided, single submitter. Criteria: ACMG Guidelines, 2015. Collection method: not provided. Allele origin: germline. Inheritance: Autosomal dominant inheritance. Affected: yes.

PreventionGenetics, part of Exact Sciences
Classification: Likely benign for DNMT1-related condition. Last evaluated: 2024-03-14. Review status: no assertion criteria provided. Collection method: clinical testing. Allele origin: germline. Not counted in ClinVar's aggregate classification.
Comment: This variant is classified as likely benign based on ACMG/AMP sequence variant interpretation guidelines (Richards et al. 2015 PMID: 25741868, with internal and published modifications).

NM_001130823.3(DNMT1):c.4146G>A (p.Thr1382=)

Gene: DNMT1 (DNA methyltransferase 1; minus strand). Cytogenetic location: 19p13.2.
Variant type: single nucleotide variant.
Coding change: c.4146G>A on transcript NM_001130823.3 (MANE Select); coding-DNA position 4146, G replaced by A.
Protein change: p.Thr1382=; no amino-acid change (threonine 1382 retained).
Molecular consequence: synonymous variant.
Genome position (GRCh38, 1-based): chr19:10,137,979, C>T on the plus strand (G>A on the coding strand, the complement: DNMT1 is on the minus strand). VCF-style: chr19-10137979-C-T. GRCh37 (hg19) VCF-style: chr19-10248655-C-T.
Other names: p.Thr1382=; c.4146G>A (LRG_362t1, NM_001130823.2); c.4098G>A, p.Thr1366= (NM_001318730.2, NM_001379.4); c.3783G>A, p.Thr1261= (NM_001318731.2).
Identifiers: ClinVar variation 327889 (VCV000327889.52), dbSNP rs184125970, ClinGen allele CA9187573.